The following is an entry in ClinVar:

ClinVar aggregate classification (germline): Uncertain significance (1 of 4 stars; one submission).

gnomAD v4.1: 10 of 1,614,182 alleles (0.00062%); highest among the groups gnomAD compares: South Asian, 0.0022%; no homozygotes.

Submission:

Dasa
Classification: Uncertain significance. Last evaluated: 2026-05-18. Review status: criteria provided, single submitter. Criteria: DASA Assertion Criteria. Collection method: clinical testing. Allele origin: germline.
Comment: NM_006565.4(CTCF):c.515A>G (p.Asn172Ser) is a missense variant that results in the substitution of asparagine with serine. This variant is rare in population databases. The currently available literature and clinical evidence are not sufficient to establish a definitive association between this variant and the reported condition. Therefore, this variant is classified as a variant of uncertain significance.

NM_006565.4(CTCF):c.515A>G (p.Asn172Ser)

Gene: CTCF (CCCTC-binding factor; plus strand). Cytogenetic location: 16q22.1.
Variant type: single nucleotide variant.
Coding change: c.515A>G on transcript NM_006565.4 (MANE Select); coding-DNA position 515, A replaced by G.
Protein change: p.Asn172Ser; replaces asparagine 172 with serine.
Molecular consequence: missense variant. On other transcripts: intron variant (1).
Genome position (GRCh38, 1-based): chr16:67,611,347, A>G. VCF-style: chr16-67611347-A-G. GRCh37 (hg19) VCF-style: chr16-67645250-A-G.
Other names: c.515A>G, p.Asn172Ser (NM_001363916.2, NM_001438968.1, NM_001438969.1); c.-32-5398A>G (NM_001191022.2); short protein forms N172S.
Identifiers: ClinVar variation 5020541 (VCV005020541.1).